The following is an entry in ClinVar:

ClinVar aggregate classification (germline): Likely pathogenic. Review status: criteria provided, single submitter (1 of 4 stars). 2 submissions from 2 submitters: Likely pathogenic (1). 1 of the submissions does not count toward it. Last evaluated 2025-06-01.

Conditions:
Bardet-Biedl syndrome (BBS). Identifiers: Orphanet 110, MedGen C0752166, MONDO:0015229.
BBS2-related disorder. Also called: BBS2-related disorders; BBS2-related condition. Identifiers: MedGen CN239228.

Allele frequency attached by ClinVar (database versions not stated): TOPMed 0.00001.

Submissions (2):

Labcorp Genetics (formerly Invitae), Labcorp
Classification: Likely pathogenic for Bardet-Biedl syndrome. Last evaluated: 2025-06-01. Review status: criteria provided, single submitter. Criteria: Invitae Variant Classification Sherloc (09022015). Collection method: clinical testing. Allele origin: germline.
Comment: This sequence change affects codon 599 of the BBS2 mRNA. It is a 'silent' change, meaning that it does not change the encoded amino acid sequence of the BBS2 protein. This variant also falls at the last nucleotide of exon 14, which is part of the consensus splice site for this exon. This variant is not present in population databases (gnomAD no frequency). This variant has been observed in individual(s) with clinical features of BBS2-related conditions (PMID: 31054281; internal data). ClinVar contains an entry for this variant (Variation ID: 971675). Variants that disrupt the consensus splice site are a relatively common cause of aberrant splicing (PMID: 17576681, 9536098). Algorithms developed to predict the effect of sequence changes on RNA splicing suggest that this variant may disrupt the consensus splice site. In summary, the currently available evidence indicates that the variant is pathogenic, but additional data are needed to prove that conclusively. Therefore, this variant has been classified as Likely Pathogenic.

PreventionGenetics, part of Exact Sciences
Classification: Uncertain significance for BBS2-related condition. Last evaluated: 2023-11-03. Review status: no assertion criteria provided. Collection method: clinical testing. Allele origin: germline. Not counted in ClinVar's aggregate classification.
Comment: The BBS2 c.1797G>A is a noncoding alteration. The c.1797G nucleotide is the last nucleotide in exon 14, and the c.1797G>A substitution is predicted to impact splicing at the consensus splice donor site at the junction of exon 14 and intron 14 (SpliceAI, Jaganathan et al. 2019. PubMed ID: 30661751); however, such computer predictions are not equivalent to functional evidence. This variant was reported in a study of individuals with suspected retinitis pigmentosa, although no additional functional or genetic evidence was provided that could help establish pathogenicity (Table S2 in Gao et al 2019. PubMed ID: 31054281). This variant has not been reported in a large population database, indicating this variant is rare. Although we suspect that this variant may be pathogenic, at this time, the clinical significance of this variant is uncertain due to the absence of conclusive functional and genetic evidence.

Literature cited by the submitters: PubMed 31054281 (cited by Labcorp Genetics (formerly Invitae), Labcorp); PubMed 17576681 (cited by Labcorp Genetics (formerly Invitae), Labcorp); PubMed 9536098 (cited by Labcorp Genetics (formerly Invitae), Labcorp).

NM_031885.5(BBS2):c.1797G>A (p.Lys599=)

Gene: BBS2 (Bardet-Biedl syndrome 2; minus strand). Cytogenetic location: 16q13.
Variant type: single nucleotide variant.
Coding change: c.1797G>A on transcript NM_031885.5 (MANE Select); coding-DNA position 1797, G replaced by A.
Protein change: p.Lys599=; no amino-acid change (lysine 599 retained).
Molecular consequence: synonymous variant. On other transcripts: non-coding transcript variant (5).
Genome position (GRCh38, 1-based): chr16:56,497,743, C>T on the plus strand (G>A on the coding strand, the complement: BBS2 is on the minus strand). VCF-style: chr16-56497743-C-T. GRCh37 (hg19) VCF-style: chr16-56531655-C-T.
Other names: c.1797G>A, p.Lys599= (NM_001377456.1).
Identifiers: ClinVar variation 971675 (VCV000971675.8), dbSNP rs1177431007, ClinGen allele CA495586040.